The following is an entry in ClinVar:

ClinVar aggregate classification (germline): Benign/Likely benign. Review status: criteria provided, multiple submitters, no conflicts (2 of 4 stars). 6 submissions from 6 submitters: Benign (2); Likely benign (4). Last evaluated 2026-03-01.

Conditions:
Hereditary spastic paraplegia. Also called: Familial spastic paraparesis. Identifiers: Orphanet 685, MedGen C0037773, MONDO:0019064. Disease mechanism: loss of function.
Spastic paraplegia. Identifiers: MedGen C0037772, HP:0001258.
Hereditary spastic paraplegia 15 (SPG15). Also called: KJELLIN SYNDROME; SPASTIC PARAPLEGIA AND RETINAL DEGENERATION; SPASTIC PARAPLEGIA 15, AUTOSOMAL RECESSIVE. Identifiers: Orphanet 100996, MedGen C1849128, MONDO:0010044, OMIM 270700.

Allele frequency attached by ClinVar (database versions not stated): gnomAD exomes 0.00010 and 0.00026; ExAC 0.00036; ESP Exome Variant Server 0.00077; TOPMed 0.00111; gnomAD 0.00115 and 0.00116; 1000 Genomes Project 30x 0.00141; 1000 Genomes Project 0.00180.
gnomAD v4.1: 340 of 1,612,188 alleles (0.021%); highest among the groups gnomAD compares: African/African-American, 0.36%; 2 homozygotes.

Submissions (6):

CeGaT Center for Human Genetics Tuebingen
Classification: Likely benign. Last evaluated: 2026-03-01. Review status: criteria provided, single submitter. Criteria: CeGaT Center For Human Genetics Tuebingen Variant Classification Criteria Version 2. Collection method: clinical testing. Allele origin: germline. Affected: yes. Observed: 2 variant alleles.
Comment: ZFYVE26: BP4, BP7

Labcorp Genetics (formerly Invitae), Labcorp
Classification: Benign for Spastic paraplegia. Last evaluated: 2026-01-11. Review status: criteria provided, single submitter. Criteria: Invitae Variant Classification Sherloc (09022015). Collection method: clinical testing. Allele origin: germline.

Mayo Clinic Laboratories, Mayo Clinic
Classification: Likely benign. Last evaluated: 2024-10-24. Review status: criteria provided, single submitter. Criteria: ACMG Guidelines, 2015. Collection method: clinical testing. Allele origin: germline. Observed: 1 variant allele.
Comment: BS1, BP4, BP7

Blueprint Genetics
Classification: Likely benign. Last evaluated: 2024-09-23. Review status: criteria provided, single submitter. Criteria: ACMG Guidelines, 2015. Collection method: clinical testing. Allele origin: germline.

Genome-Nilou Lab
Classification: Benign for Hereditary spastic paraplegia 15. Last evaluated: 2021-12-05. Review status: criteria provided, single submitter. Criteria: ACMG Guidelines, 2015. Collection method: clinical testing. Allele origin: germline. Affected: no.

Genome Diagnostics Laboratory, The Hospital for Sick Children
Classification: Likely benign for Hereditary spastic paraplegia. Last evaluated: 2017-10-02. Review status: criteria provided, single submitter. Criteria: ACMG Guidelines, 2015. Collection method: clinical testing. Allele origin: germline. Affected: yes.

NM_015346.4(ZFYVE26):c.5799C>T (p.Ser1933=)

Gene: ZFYVE26 (zinc finger FYVE-type containing 26; minus strand). Cytogenetic location: 14q24.1.
Variant type: single nucleotide variant.
Coding change: c.5799C>T on transcript NM_015346.4 (MANE Select); coding-DNA position 5799, C replaced by T.
Protein change: p.Ser1933=; no amino-acid change (serine 1933 retained).
Molecular consequence: synonymous variant.
Genome position (GRCh38, 1-based): chr14:67,766,439, G>A on the plus strand (C>T on the coding strand, the complement: ZFYVE26 is on the minus strand). VCF-style: chr14-67766439-G-A. GRCh37 (hg19) VCF-style: chr14-68233156-G-A.
Other names: p.Ser1933=.
Identifiers: ClinVar variation 695230 (VCV000695230.35), dbSNP rs145858625, ClinGen allele CA7239379.